The following is an entry in ClinVar:

ClinVar aggregate classification (germline): Uncertain significance (1 of 4 stars; one submission).

gnomAD v4.1: 1 of 1,613,162 alleles (0.000062%); highest among the groups gnomAD compares: Non-Finnish European, 0.000085%; no homozygotes.

Submission:

Labcorp Genetics (formerly Invitae), Labcorp
Classification: Uncertain significance. Last evaluated: 2025-03-17. Review status: criteria provided, single submitter. Criteria: Invitae Variant Classification Sherloc (09022015). Collection method: clinical testing. Allele origin: germline.
Comment: This sequence change replaces glycine, which is neutral and non-polar, with tryptophan, which is neutral and slightly polar, at codon 2 of the GNB3 protein (p.Gly2Trp). This variant is not present in population databases (gnomAD no frequency). This variant has not been reported in the literature in individuals affected with GNB3-related conditions. An algorithm developed to predict the effect of missense changes on protein structure and function (PolyPhen-2) suggests that this variant is likely to be disruptive. In summary, the available evidence is currently insufficient to determine the role of this variant in disease. Therefore, it has been classified as a Variant of Uncertain Significance.

NM_002075.4(GNB3):c.4G>T (p.Gly2Trp)

Gene: GNB3 (G protein subunit beta 3; plus strand). Cytogenetic location: 12p13.31.
Variant type: single nucleotide variant.
Coding change: c.4G>T on transcript NM_002075.4 (MANE Select); coding-DNA position 4, G replaced by T.
Protein change: p.Gly2Trp; replaces glycine 2 with tryptophan.
Molecular consequence: missense variant.
Genome position (GRCh38, 1-based): chr12:6,841,291, G>T. VCF-style: chr12-6841291-G-T. GRCh37 (hg19) VCF-style: chr12-6950455-G-T.
Other names: c.4G>T, p.Gly2Trp (NM_001297571.2); short protein forms G2W.
Identifiers: ClinVar variation 4776952 (VCV004776952.1).